The following is an entry in ClinVar:

NM_001113378.2(FANCI):c.603G>A (p.Met201Ile)

Gene: FANCI (FA complementation group I; plus strand). Cytogenetic location: 15q26.1.
Variant type: single nucleotide variant.
Coding change: c.603G>A on transcript NM_001113378.2 (MANE Select); coding-DNA position 603, G replaced by A.
Protein change: p.Met201Ile; replaces methionine 201 with isoleucine.
Molecular consequence: missense variant.
Genome position (GRCh38, 1-based): chr15:89,263,960, G>A. VCF-style: chr15-89263960-G-A. GRCh37 (hg19) VCF-style: chr15-89807191-G-A.
Other names: c.324G>A, p.Met108Ile (NM_001376910.1); c.603G>A, p.Met201Ile (NM_001376911.1, NM_018193.3); short protein forms M201I, M108I.
Identifiers: ClinVar variation 1979458 (VCV001979458.4), dbSNP rs2505969354, ClinGen allele CA393739040.

ClinVar aggregate classification (germline): Uncertain significance (1 of 4 stars; one submission).

Conditions:
Fanconi anemia (FA). Also called: Fanconi's anemia. Identifiers: Orphanet 84, MedGen C0015625, MeSH D005199, MONDO:0019391.

Allele frequency attached by ClinVar (database versions not stated): gnomAD exomes below 0.00001.
gnomAD v4.1: 3 of 1,614,072 alleles (0.00019%); highest among the groups gnomAD compares: Non-Finnish European, 0.00025%; no homozygotes.

Submission:

Labcorp Genetics (formerly Invitae), Labcorp
Classification: Uncertain significance for Fanconi anemia. Last evaluated: 2022-03-06. Review status: criteria provided, single submitter. Criteria: Invitae Variant Classification Sherloc (09022015). Collection method: clinical testing. Allele origin: germline.
Comment: Algorithms developed to predict the effect of missense changes on protein structure and function output the following: SIFT: "Tolerated"; PolyPhen-2: "Benign"; Align-GVGD: "Class C0". The isoleucine amino acid residue is found in multiple mammalian species, which suggests that this missense change does not adversely affect protein function. This sequence change replaces methionine, which is neutral and non-polar, with isoleucine, which is neutral and non-polar, at codon 201 of the FANCI protein (p.Met201Ile). This variant is not present in population databases (gnomAD no frequency). This variant has not been reported in the literature in individuals affected with FANCI-related conditions. In summary, the available evidence is currently insufficient to determine the role of this variant in disease. Therefore, it has been classified as a Variant of Uncertain Significance.